The following is an entry in ClinVar:

ClinVar aggregate classification (germline): Benign/Likely benign. Review status: criteria provided, multiple submitters, no conflicts (2 of 4 stars). 3 submissions from 3 submitters: Benign (1); Likely benign (2). Last evaluated 2024-04-02.

Conditions:
Hereditary cancer-predisposing syndrome. Also called: Neoplastic Syndromes, Hereditary; Tumor predisposition; Hereditary Cancer Syndrome; Hereditary neoplastic syndrome. Identifiers: Orphanet 140162, MedGen C0027672, MeSH D009386, MONDO:0015356.
Familial adenomatous polyposis 1 (FAP1). Also called: FAMILIAL ADENOMATOUS POLYPOSIS 1, ATTENUATED; POLYPOSIS, ADENOMATOUS INTESTINAL. Identifiers: MedGen C2713442, MONDO:0021056, OMIM 175100. Disease mechanism: loss of function.

Submissions (3):

Myriad Genetics, Inc.
Classification: Benign for Familial adenomatous polyposis 1. Last evaluated: 2024-04-02. Review status: criteria provided, single submitter. Criteria: Myriad Autosomal Dominant, Autosomal Recessive and X-Linked Classification Criteria (2023). Collection method: clinical testing. Allele origin: unknown.
Comment: This variant is considered benign. This variant is a silent/synonymous amino acid change and it is not expected to impact splicing.

Ambry Genetics
Classification: Likely benign for Hereditary cancer-predisposing syndrome. Last evaluated: 2020-03-29. Review status: criteria provided, single submitter. Criteria: Ambry Variant Classification Scheme 2023. Collection method: clinical testing. Allele origin: germline.

Color Diagnostics, LLC DBA Color Health
Classification: Likely benign for Hereditary cancer-predisposing syndrome. Last evaluated: 2019-01-02. Review status: criteria provided, single submitter. Criteria: ACMG Guidelines, 2015. Collection method: clinical testing. Allele origin: germline.

NM_000038.6(APC):c.5523T>C (p.Asp1841=)

Gene: APC (APC regulator of Wnt signaling pathway; plus strand). Cytogenetic location: 5q22.2.
Variant type: single nucleotide variant.
Coding change: c.5523T>C on transcript NM_000038.6 (MANE Select); coding-DNA position 5523, T replaced by C.
Protein change: p.Asp1841=; no amino-acid change (aspartic acid 1841 retained).
Molecular consequence: synonymous variant.
Genome position (GRCh38, 1-based): chr5:112,841,117, T>C. VCF-style: chr5-112841117-T-C. GRCh37 (hg19) VCF-style: chr5-112176814-T-C.
Other names: c.5523T>C, p.Asp1841= (NM_001127510.3, NM_001354895.2); c.5469T>C, p.Asp1823= (NM_001127511.3); c.5577T>C, p.Asp1859= (NM_001354896.2); c.5553T>C, p.Asp1851= (NM_001354897.2); c.5448T>C, p.Asp1816= (NM_001354898.2); c.5439T>C, p.Asp1813= (NM_001354899.2); c.5400T>C, p.Asp1800= (NM_001354900.2); c.5346T>C, p.Asp1782= (NM_001354901.2); and 5 more.
Identifiers: ClinVar variation 924910 (VCV000924910.5), dbSNP rs1765970846, ClinGen allele CA446208903.